The following is an entry in ClinVar:

NM_002150.3(HPD):c.413C>T (p.Thr138Met)

Genes: HPD (4-hydroxyphenylpyruvate dioxygenase; minus strand), TIALD (transcript inducer of AURKA lysosomal degradation; plus strand). Cytogenetic location: 12q24.31.
Variant type: single nucleotide variant.
Coding change: c.413C>T on transcript NM_002150.3 (MANE Select); coding-DNA position 413, C replaced by T.
Protein change: p.Thr138Met; replaces threonine 138 with methionine.
Molecular consequence: missense variant.
Genome position (GRCh38, 1-based): chr12:121,854,704, G>A on the plus strand (C>T on the coding strand, the complement: HPD is on the minus strand). VCF-style: chr12-121854704-G-A. GRCh37 (hg19) VCF-style: chr12-122292610-G-A.
Other names: c.296C>T, p.Thr99Met (NM_001171993.2); short protein forms T138M, T99M.
Identifiers: ClinVar variation 2578428 (VCV002578428.4), dbSNP rs762065329, ClinGen allele CA6839677.

ClinVar aggregate classification (germline): Uncertain significance (1 of 4 stars; one submission).

Conditions:
Hawkinsinuria. Identifiers: Orphanet 2118, MedGen C2931042, MONDO:0007700, OMIM 140350, HP:0034457.

Allele frequency attached by ClinVar (database versions not stated): ExAC 0.00001; gnomAD exomes 0.00001; TOPMed 0.00001; gnomAD 0.00002.
gnomAD v4.1: 18 of 1,610,860 alleles (0.0011%); highest among the groups gnomAD compares: East Asian, 0.0022%; no homozygotes.

Submission:

Institute of Human Genetics, University of Leipzig Medical Center
Classification: Uncertain significance for Hawkinsinuria. Last evaluated: 2023-08-07. Review status: criteria provided, single submitter. Criteria: ACMG Guidelines, 2015. Collection method: clinical testing. Allele origin: maternal. Inheritance: Autosomal dominant inheritance. Affected: yes.
Comment: Criteria applied: PP4_STR,PP3